The following is an entry in ClinVar:

NM_003072.5(SMARCA4):c.4433G>A (p.Gly1478Glu)

Gene: SMARCA4 (SWI/SNF related BAF chromatin remodeling complex subunit ATPase 4; plus strand). Cytogenetic location: 19p13.2.
Variant type: single nucleotide variant.
Coding change: c.4433G>A on transcript NM_003072.5 (MANE Select); coding-DNA position 4433, G replaced by A.
Protein change: p.Gly1478Glu; replaces glycine 1478 with glutamic acid.
Molecular consequence: missense variant. On other transcripts: non-coding transcript variant (1).
Genome position (GRCh38, 1-based): chr19:11,058,263, G>A. VCF-style: chr19-11058263-G-A. GRCh37 (hg19) VCF-style: chr19-11168939-G-A.
Other names: c.4433G>A, p.Gly1478Glu (NM_001128844.3); c.4343G>A, p.Gly1448Glu (NM_001128845.2); c.4340G>A, p.Gly1447Glu (NM_001128846.2); c.4334G>A, p.Gly1445Glu (NM_001128847.4, NM_001374457.1); c.4331G>A, p.Gly1444Glu (NM_001128848.2); c.4529G>A, p.Gly1510Glu (NM_001128849.3, NM_001387283.1); c.4430G>A, p.Gly1477Glu (NM_001411150.1); short protein forms G1445E, G1447E, G1448E, G1478E, G1444E, G1477E, G1510E.
Identifiers: ClinVar variation 4708432 (VCV004708432.1).

ClinVar aggregate classification (germline): Uncertain significance (1 of 4 stars; one submission).

Conditions:
Rhabdoid tumor predisposition syndrome 2 (RTPS2). Identifiers: Orphanet 231108, Orphanet 69077, MedGen C2750074, MONDO:0013224, OMIM 613325.

Submission:

Labcorp Genetics (formerly Invitae), Labcorp
Classification: Uncertain significance for Rhabdoid tumor predisposition syndrome 2. Last evaluated: 2025-02-05. Review status: criteria provided, single submitter. Criteria: Invitae Variant Classification Sherloc (09022015). Collection method: clinical testing. Allele origin: germline.
Comment: This sequence change replaces glycine, which is neutral and non-polar, with glutamic acid, which is acidic and polar, at codon 1510 of the SMARCA4 protein (p.Gly1510Glu). This variant is not present in population databases (gnomAD no frequency). This variant has not been reported in the literature in individuals affected with SMARCA4-related conditions. Invitae Evidence Modeling of protein sequence and biophysical properties (such as structural, functional, and spatial information, amino acid conservation, physicochemical variation, residue mobility, and thermodynamic stability) has been performed for this missense variant. However, the output from this modeling did not meet the statistical confidence thresholds required to predict the impact of this variant on SMARCA4 protein function. In summary, the available evidence is currently insufficient to determine the role of this variant in disease. Therefore, it has been classified as a Variant of Uncertain Significance.